The following is an entry in ClinVar:

NM_012431.3(SEMA3E):c.1933C>T (p.His645Tyr)

Gene: SEMA3E (semaphorin 3E; minus strand). Cytogenetic location: 7q21.11.
Variant type: single nucleotide variant.
Coding change: c.1933C>T on transcript NM_012431.3 (MANE Select); coding-DNA position 1933, C replaced by T.
Protein change: p.His645Tyr; replaces histidine 645 with tyrosine.
Molecular consequence: missense variant.
Genome position (GRCh38, 1-based): chr7:83,367,981, G>A on the plus strand (C>T on the coding strand, the complement: SEMA3E is on the minus strand). VCF-style: chr7-83367981-G-A. GRCh37 (hg19) VCF-style: chr7-82997297-G-A.
Other names: c.1753C>T, p.His585Tyr (NM_001178129.2); short protein forms H645Y, H585Y.
Identifiers: ClinVar variation 3704823 (VCV003704823.2).

ClinVar aggregate classification (germline): Uncertain significance (1 of 4 stars; one submission).

Conditions:
CHARGE syndrome (CHARGE). Also called: Hittner Hirsch Kreh syndrome; CHARGE ASSOCIATION--COLOBOMA, HEART ANOMALY, CHOANAL ATRESIA, RETARDATION, GENITAL AND EAR ANOMALIES; Coloboma, heart anomaly, choanal atresia, retardation, genital and ear anomalies; CHARGE association; Hall-Hittner syndrome. Identifiers: Orphanet 138, MedGen C0265354, MONDO:0008965.

gnomAD v4.1: 7 of 1,613,810 alleles (0.00043%); highest among the groups gnomAD compares: African/African-American, 0.0013%; no homozygotes.

Submission:

Labcorp Genetics (formerly Invitae), Labcorp
Classification: Uncertain significance for CHARGE syndrome. Last evaluated: 2025-12-11. Review status: criteria provided, single submitter. Criteria: Invitae Variant Classification Sherloc (09022015). Collection method: clinical testing. Allele origin: germline.
Comment: This sequence change replaces histidine, which is basic and polar, with tyrosine, which is neutral and polar, at codon 645 of the SEMA3E protein (p.His645Tyr). This variant is present in population databases (rs748190137, gnomAD 0.004%). This variant has not been reported in the literature in individuals affected with SEMA3E-related conditions. ClinVar contains an entry for this variant (Variation ID: 3704823). Invitae Evidence Modeling of protein sequence and biophysical properties (such as structural, functional, and spatial information, amino acid conservation, physicochemical variation, residue mobility, and thermodynamic stability) indicates that this missense variant is not expected to disrupt SEMA3E protein function with a negative predictive value of 80%. In summary, the available evidence is currently insufficient to determine the role of this variant in disease. Therefore, it has been classified as a Variant of Uncertain Significance.